The following is an entry in ClinVar:

ClinVar aggregate classification (germline): Uncertain significance (1 of 4 stars; one submission).

Allele frequency attached by ClinVar (database versions not stated): ExAC 0.00001; gnomAD exomes 0.00001; TOPMed 0.00001; ESP Exome Variant Server 0.00009.

Submission:

Labcorp Genetics (formerly Invitae), Labcorp
Classification: Uncertain significance. Last evaluated: 2018-03-23. Review status: criteria provided, single submitter. Criteria: Invitae Variant Classification Sherloc (09022015). Collection method: clinical testing. Allele origin: germline.
Comment: In summary, the available evidence is currently insufficient to determine the role of this variant in disease. Therefore, it has been classified as a Variant of Uncertain Significance. Algorithms developed to predict the effect of missense changes on protein structure and function (SIFT, PolyPhen-2, Align-GVGD) all suggest that this variant is likely to be tolerated, but these predictions have not been confirmed by published functional studies and their clinical significance is uncertain. This variant has not been reported in the literature in individuals with CLCN4-related disease. This variant is present in population databases (rs368173287, ExAC 0.01%). This sequence change replaces alanine with threonine at codon 6 of the CLCN4 protein (p.Ala6Thr). The alanine residue is weakly conserved and there is a small physicochemical difference between alanine and threonine.

NM_001830.4(CLCN4):c.16G>A (p.Ala6Thr)

Gene: CLCN4 (chloride voltage-gated channel 4; plus strand). Cytogenetic location: Xp22.2.
Variant type: single nucleotide variant.
Coding change: c.16G>A on transcript NM_001830.4 (MANE Select); coding-DNA position 16, G replaced by A.
Protein change: p.Ala6Thr; replaces alanine 6 with threonine.
Molecular consequence: missense variant. On other transcripts: intron variant (1).
Genome position (GRCh38, 1-based): chrX:10,185,048, G>A. VCF-style: chrX-10185048-G-A. GRCh37 (hg19) VCF-style: chrX-10153088-G-A.
Other names: c.-38-9863G>A (NM_001256944.2); short protein forms A6T.
Identifiers: ClinVar variation 1002663 (VCV001002663.8), dbSNP rs368173287, ClinGen allele CA10346991.